The following is an entry in ClinVar:

NM_001458.5(FLNC):c.292G>A (p.Glu98Lys)

Gene: FLNC (filamin C; plus strand). Cytogenetic location: 7q32.1.
Variant type: single nucleotide variant.
Coding change: c.292G>A on transcript NM_001458.5 (MANE Select); coding-DNA position 292, G replaced by A.
Protein change: p.Glu98Lys; replaces glutamic acid 98 with lysine.
Molecular consequence: missense variant.
Genome position (GRCh38, 1-based): chr7:128,830,929, G>A. VCF-style: chr7-128830929-G-A. GRCh37 (hg19) VCF-style: chr7-128470983-G-A.
Other names: c.292G>A, p.Glu98Lys (NM_001127487.2); short protein forms E98K.
Identifiers: ClinVar variation 1394259 (VCV001394259.9), dbSNP rs1195481399, ClinGen allele CA369216883.

ClinVar aggregate classification (germline): Uncertain significance. Review status: criteria provided, multiple submitters, no conflicts (2 of 4 stars). 2 submissions from 2 submitters: Uncertain significance (2). Last evaluated 2024-06-04.

Conditions:
Myofibrillar myopathy 5. Also called: Filaminopathy (type); FILAMINOPATHY, AUTOSOMAL DOMINANT. Identifiers: Orphanet 171445, MedGen C1836050, MONDO:0012289, OMIM 609524.
Hypertrophic cardiomyopathy 26. Also called: Cardiomyopathy, familial hypertrophic, 26. Identifiers: Orphanet 75249, MedGen C4310749, MONDO:0014883, OMIM 617047.
Distal myopathy with posterior leg and anterior hand involvement. Also called: WILLIAMS DISTAL MYOPATHY. Identifiers: Orphanet 63273, MedGen C3279722, MONDO:0013550, OMIM 614065.
Cardiovascular phenotype. Identifiers: MedGen CN230736.

Submissions (2):

Ambry Genetics
Classification: Uncertain significance for Cardiovascular phenotype. Last evaluated: 2024-06-04. Review status: criteria provided, single submitter. Criteria: Ambry Variant Classification Scheme 2023. Collection method: clinical testing. Allele origin: germline.
Comment: The p.E98K variant (also known as c.292G>A), located in coding exon 1 of the FLNC gene, results from a G to A substitution at nucleotide position 292. The glutamic acid at codon 98 is replaced by lysine, an amino acid with similar properties. This amino acid position is conserved. In addition, this alteration is predicted to be deleterious by in silico analysis. Since supporting evidence is limited at this time, the clinical significance of this alteration remains unclear.

Labcorp Genetics (formerly Invitae), Labcorp
Classification: Uncertain significance for Distal myopathy with posterior leg and anterior hand involvement; Myofibrillar myopathy 5; Hypertrophic cardiomyopathy 26. Last evaluated: 2021-11-20. Review status: criteria provided, single submitter. Criteria: Invitae Variant Classification Sherloc (09022015). Collection method: clinical testing. Allele origin: germline.
Comment: In summary, the available evidence is currently insufficient to determine the role of this variant in disease. Therefore, it has been classified as a Variant of Uncertain Significance. Algorithms developed to predict the effect of missense changes on protein structure and function are either unavailable or do not agree on the potential impact of this missense change (SIFT: "Deleterious"; PolyPhen-2: "Possibly Damaging"; Align-GVGD: "Class C0"). This variant has not been reported in the literature in individuals affected with FLNC-related conditions. This variant is not present in population databases (gnomAD no frequency). This sequence change replaces glutamic acid, which is acidic and polar, with lysine, which is basic and polar, at codon 98 of the FLNC protein (p.Glu98Lys).